The following is an entry in ClinVar:

ClinVar aggregate classification (germline): Uncertain significance (1 of 4 stars; one submission).

Conditions:
PKD1-related disorder. Also called: PKD1-related condition.

gnomAD v4.1: 17 of 1,599,918 alleles (0.0011%); highest among the groups gnomAD compares: South Asian, 0.0055%; no homozygotes.

Submission:

PreventionGenetics, part of Exact Sciences
Classification: Uncertain significance for PKD1-related condition. Last evaluated: 2026-05-15. Review status: criteria provided, single submitter. Criteria: ACMG Guidelines, 2015. Collection method: clinical testing. Allele origin: germline.
Comment: The PKD1 c.12518C>T variant is predicted to result in the amino acid substitution p.Pro4173Leu. To our knowledge, this variant has not been reported in the literature. This variant is reported in 0.0056% of alleles in individuals of East Asian descent in gnomAD. At this time, the clinical significance of this variant is uncertain due to the absence of conclusive functional and genetic evidence.

NM_001009944.3(PKD1):c.12518C>T (p.Pro4173Leu)

Gene: PKD1 (polycystin 1, transient receptor potential channel interacting; minus strand). Cytogenetic location: 16p13.3.
Variant type: single nucleotide variant.
Coding change: c.12518C>T on transcript NM_001009944.3 (MANE Select); coding-DNA position 12518, C replaced by T.
Protein change: p.Pro4173Leu; replaces proline 4173 with leucine.
Molecular consequence: missense variant.
Genome position (GRCh38, 1-based): chr16:2,090,121, G>A on the plus strand (C>T on the coding strand, the complement: PKD1 is on the minus strand). VCF-style: chr16-2090121-G-A. GRCh37 (hg19) VCF-style: chr16-2140122-G-A.
Other names: c.12515C>T, p.Pro4172Leu (NM_000296.4); short protein forms P4172L, P4173L.
Identifiers: ClinVar variation 4979254 (VCV004979254.1).
Genomic context (GRCh38, chr16:2,090,121, plus strand): 5'-TGGCTGGAGGAGGTGGAGGGGTGCGAGGCATCGGAGCCAGCGCTGGGTGGGGGCACATCC[G>A]GGGATACCTTGGAGCCCCTGGAGGAGCGAGAGGGCAGCGGCTCCATCCCTTCAAAGCGGA-3'
Protein context (NP_001009944.3, residues 4163-4183): SRSSRGSKVS[Pro4173Leu]DVPPPSAGSD